The following is an entry in ClinVar:

ClinVar aggregate classification (germline): Uncertain significance (1 of 4 stars; one submission).

gnomAD v4.1: 1 of 1,614,092 alleles (0.000062%); highest among the groups gnomAD compares: East Asian, 0.0022%; no homozygotes.

Submission:

GeneDx
Classification: Uncertain significance. Last evaluated: 2024-01-29. Review status: criteria provided, single submitter. Criteria: GeneDx Variant Classification Process June 2021. Collection method: clinical testing. Allele origin: germline. Affected: yes.
Comment: Not observed at significant frequency in large population cohorts (gnomAD); In silico analysis supports that this missense variant has a deleterious effect on protein structure/function; Has not been previously published as pathogenic or benign to our knowledge

NM_000540.3(RYR1):c.1843T>C (p.Ser615Pro)

Gene: RYR1 (ryanodine receptor 1; plus strand). Cytogenetic location: 19q13.2.
Variant type: single nucleotide variant.
Coding change: c.1843T>C on transcript NM_000540.3 (MANE Select); coding-DNA position 1843, T replaced by C.
Protein change: p.Ser615Pro; replaces serine 615 with proline.
Molecular consequence: missense variant.
Genome position (GRCh38, 1-based): chr19:38,457,548, T>C. VCF-style: chr19-38457548-T-C. GRCh37 (hg19) VCF-style: chr19-38948188-T-C.
Other names: c.1843T>C, p.Ser615Pro (NM_001042723.2); short protein forms S615P.
Identifiers: ClinVar variation 3368165 (VCV003368165.1).